The following is an entry in ClinVar:

NM_001374828.1(ARID1B):c.1913C>G (p.Pro638Arg)

Gene: ARID1B (AT-rich interaction domain 1B; plus strand). Cytogenetic location: 6q25.3.
Variant type: single nucleotide variant.
Coding change: c.1913C>G on transcript NM_001374828.1 (MANE Select); coding-DNA position 1913, C replaced by G.
Protein change: p.Pro638Arg; replaces proline 638 with arginine.
Molecular consequence: missense variant.
Genome position (GRCh38, 1-based): chr6:156,829,348, C>G. VCF-style: chr6-156829348-C-G. GRCh37 (hg19) VCF-style: chr6-157150482-C-G.
Other names: c.1913C>G, p.Pro638Arg (NM_001371656.1, NM_001374820.1, NM_017519.3); c.1664C>G (NM_020732.3); short protein forms P638R.
Identifiers: ClinVar variation 3767445 (VCV003767445.1).
Genomic context (GRCh38, chr6:156,829,348, plus strand): 5'-CTCATTCTCAGCCTCAGCAGAGCAGTCCGTACCCAGGAGGTTCCTATGGCCCTCCAGGCC[C>G]ACAGCGGTATCCAATTGGCATCCAGGGTCGGACTCCCGGGGCCATGGCCGGAATGCAGTA-3'
Protein context (NP_001361757.1, residues 628-648): YPGGSYGPPG[Pro638Arg]QRYPIGIQGR

ClinVar aggregate classification (germline): Uncertain significance (1 of 4 stars; one submission).

Submission:

GeneDx
Classification: Uncertain significance. Last evaluated: 2024-09-05. Review status: criteria provided, single submitter. Criteria: GeneDx Variant Classification Process June 2021. Collection method: clinical testing. Allele origin: germline. Affected: yes.
Comment: Not observed at significant frequency in large population cohorts (gnomAD); In silico analysis supports that this missense variant has a deleterious effect on protein structure/function; Has not been previously published as pathogenic or benign to our knowledge